The following is an entry in ClinVar:

NM_000548.5(TSC2):c.976-6T>A

Gene: TSC2 (TSC complex subunit 2; plus strand). Cytogenetic location: 16p13.3.
Variant type: single nucleotide variant.
Coding change: c.976-6T>A on transcript NM_000548.5 (MANE Select); 6 bases into the intron before coding-DNA position 976, T replaced by A.
Molecular consequence: intron variant.
Genome position (GRCh38, 1-based): chr16:2,060,664, T>A. VCF-style: chr16-2060664-T-A. GRCh37 (hg19) VCF-style: chr16-2110665-T-A.
Other names: c.976-6T>A (NM_001114382.3, NM_021055.3, NM_001370405.1 and 3 more transcripts); c.865-6T>A (NM_001318827.2); c.376-6T>A (NM_001318831.2); c.829-6T>A (NM_001318829.2); c.1009-6T>A (NM_001318832.2).
Identifiers: ClinVar variation 852421 (VCV000852421.9), dbSNP rs2086516048, ClinGen allele CA916081780.

ClinVar aggregate classification (germline): Uncertain significance (1 of 4 stars; one submission).

Conditions:
Tuberous sclerosis 2 (TSC2). Identifiers: Orphanet 805, MedGen C1860707, MONDO:0013199, OMIM 613254.

Submission:

Labcorp Genetics (formerly Invitae), Labcorp
Classification: Uncertain significance for Tuberous sclerosis 2. Last evaluated: 2024-03-14. Review status: criteria provided, single submitter. Criteria: Invitae Variant Classification Sherloc (09022015). Collection method: clinical testing. Allele origin: germline.
Comment: This sequence change falls in intron 10 of the TSC2 gene. It does not directly change the encoded amino acid sequence of the TSC2 protein. This variant is not present in population databases (gnomAD no frequency). This variant has not been reported in the literature in individuals affected with TSC2-related conditions. ClinVar contains an entry for this variant (Variation ID: 852421). Algorithms developed to predict the effect of sequence changes on RNA splicing suggest that this variant may disrupt the consensus splice site. In summary, the available evidence is currently insufficient to determine the role of this variant in disease. Therefore, it has been classified as a Variant of Uncertain Significance.